The following is an entry in ClinVar:

NC_000017.10:g.(?_41222925)_(41223340_?)del

Gene: BRCA1 (BRCA1 DNA repair associated; minus strand). Cytogenetic location: 17q21.31.
Variant type: Deletion.
Identifiers: ClinVar variation 1068885 (VCV001068885.2).

ClinVar aggregate classification (germline): Pathogenic (1 of 4 stars; one submission).

Conditions:
Hereditary breast ovarian cancer syndrome. Also called: Breast and ovarian cancer; BRCA1- and BRCA2-Associated Hereditary Breast and Ovarian Cancer; Hereditary breast and ovarian cancer syndrome; Hereditary breast and/or ovarian cancer syndrome; Hereditary breast and ovarian cancer; Hereditary breast and ovarian cancer syndrome (HBOC). Identifiers: Orphanet 145, MedGen C0677776, MeSH D061325, MONDO:0003582. Disease mechanism: loss of function.

Submission:

Labcorp Genetics (formerly Invitae), Labcorp
Classification: Pathogenic for Hereditary breast ovarian cancer syndrome. Last evaluated: 2022-09-14. Review status: criteria provided, single submitter. Criteria: Invitae Variant Classification Sherloc (09022015). Collection method: clinical testing. Allele origin: germline.
Comment: This variant is a gross deletion of the genomic region encompassing exon(s) 15 of the BRCA1 gene. This deletion is out-of-frame, and is expected to create a premature termination codon and result in an absent or disrupted protein product. Loss-of-function variants in BRCA1 are known to be pathogenic (PMID: 20104584). A similar copy number variant has been observed in individual(s) with hereditary breast and ovarian cancer and breast cancer (PMID: 18431737, 23216102). This variant is also known as exon 16. For these reasons, this variant has been classified as Pathogenic.

Literature cited by the submitters: PubMed 20104584; PubMed 18431737; PubMed 23216102.